The following is an entry in ClinVar:

ClinVar aggregate classification (germline): Likely pathogenic (1 of 4 stars; one submission).

Conditions:
Intellectual developmental disorder with behavioral abnormalities and craniofacial dysmorphism with or without seizures. Identifiers: MedGen C5231476, MONDO:0032883, OMIM 618725.

Submission:

Juno Genomics, Hangzhou Juno Genomics, Inc
Classification: Likely pathogenic for Intellectual developmental disorder with behavioral abnormalities and craniofacial dysmorphism with or without seizures. Review status: criteria provided, single submitter. Criteria: ACMG Guidelines, 2015. Collection method: clinical testing. Allele origin: germline. Affected: yes.
Comment: Absent from controls (or at extremely low frequency if recessive) in Genome Aggregation Database, Exome Sequencing Project, 1000 Genomes Project, or Exome Aggregation Consortium.;Null variant in a gene where loss of function (LOF) is a known mechanism of disease.

NM_001352027.3(PHF21A):c.19C>T (p.Gln7Ter)

Gene: PHF21A (PHD finger protein 21A; minus strand). Cytogenetic location: 11p11.2.
Variant type: single nucleotide variant.
Coding change: c.19C>T on transcript NM_001352027.3 (MANE Select); coding-DNA position 19, C replaced by T.
Protein change: p.Gln7Ter; replaces glutamine 7 with a stop codon.
Molecular consequence: nonsense. On other transcripts: non-coding transcript variant (2).
Genome position (GRCh38, 1-based): chr11:46,084,201, G>A on the plus strand (C>T on the coding strand, the complement: PHF21A is on the minus strand). VCF-style: chr11-46084201-G-A. GRCh37 (hg19) VCF-style: chr11-46105752-G-A.
Other names: c.19C>T, p.Gln7Ter (NM_001101802.3, NM_001352025.3, NM_001352026.3 and 6 more transcripts); short protein forms Q7*.
Identifiers: ClinVar variation 3899341 (VCV003899341.2).